The following is an entry in ClinVar:

ClinVar aggregate classification (germline): Uncertain significance. Review status: criteria provided, multiple submitters, no conflicts (2 of 4 stars). 5 submissions from 5 submitters: Uncertain significance (5). Last evaluated 2025-11-28.

Conditions:
Arrhythmogenic right ventricular dysplasia 8 (ARVD8). Also called: Arrhythmogenic Right Ventricular Dysplasia/Cardiomyopathy 8; ARRHYTHMOGENIC RIGHT VENTRICULAR DYSPLASIA, FAMILIAL, 8; ARRHYTHMOGENIC RIGHT VENTRICULAR CARDIOMYOPATHY 8. Identifiers: MedGen C1843896, MONDO:0011831, OMIM 607450.
Arrhythmogenic cardiomyopathy with wooly hair and keratoderma. Also called: PALMOPLANTAR KERATODERMA WITH LEFT VENTRICULAR CARDIOMYOPATHY AND WOOLLY HAIR; Carvajal syndrome; Dilated cardiomyopathy with woolly hair and keratoderma; Arrhythmogenic cardiomyopathy with woolly hair and keratoderma. Identifiers: Orphanet 65282, MedGen C1854063, MONDO:0011581, OMIM 605676.
Cardiomyopathy (CMYO). Also called: Cardiomyopathies. Identifiers: Orphanet 167848, MedGen C0878544, MONDO:0004994, HP:0001638. Inheritance: Various modes of inheritance.

Allele frequency attached by ClinVar (database versions not stated): TOPMed below 0.00001; gnomAD exomes 0.00001.
gnomAD v4.1: 8 of 1,612,838 alleles (0.0005%); highest among the groups gnomAD compares: Non-Finnish European, 0.00068%; no homozygotes.

Submissions (5):

Mayo Clinic Laboratories, Mayo Clinic
Classification: Uncertain significance. Last evaluated: 2025-11-28. Review status: criteria provided, single submitter. Criteria: ACMG Guidelines, 2015. Collection method: clinical testing. Allele origin: germline. Observed: 1 variant allele.
Comment: BP4_moderate, PM2_supporting

Labcorp Genetics (formerly Invitae), Labcorp
Classification: Uncertain significance for Arrhythmogenic cardiomyopathy with wooly hair and keratoderma; Arrhythmogenic right ventricular dysplasia 8. Last evaluated: 2024-12-12. Review status: criteria provided, single submitter. Criteria: Invitae Variant Classification Sherloc (09022015). Collection method: clinical testing. Allele origin: germline.
Comment: This sequence change replaces leucine, which is neutral and non-polar, with tryptophan, which is neutral and slightly polar, at codon 1750 of the DSP protein (p.Leu1750Trp). This variant is not present in population databases (gnomAD no frequency). This variant has not been reported in the literature in individuals affected with DSP-related conditions. ClinVar contains an entry for this variant (Variation ID: 925186). An algorithm developed to predict the effect of missense changes on protein structure and function (PolyPhen-2) suggests that this variant is likely to be tolerated. In summary, the available evidence is currently insufficient to determine the role of this variant in disease. Therefore, it has been classified as a Variant of Uncertain Significance.

GeneDx
Classification: Uncertain significance. Last evaluated: 2024-05-20. Review status: criteria provided, single submitter. Criteria: GeneDx Variant Classification Process June 2021. Collection method: clinical testing. Allele origin: germline. Affected: yes.
Comment: Has not been previously published as pathogenic or benign to our knowledge; Not observed at significant frequency in large population cohorts (gnomAD); In silico analysis indicates that this missense variant does not alter protein structure/function

Color Diagnostics, LLC DBA Color Health
Classification: Uncertain significance for Cardiomyopathy. Last evaluated: 2024-03-06. Review status: criteria provided, single submitter. Criteria: ACMG Guidelines, 2015. Collection method: clinical testing. Allele origin: germline.
Comment: This missense variant replaces leucine with tryptophan at codon 1750 of the DSP protein. Computational prediction suggests that this variant may not impact protein structure and function (internally defined REVEL score threshold <= 0.5, PMID: 27666373). To our knowledge, functional studies have not been reported for this variant. This variant has not been reported in individuals affected with cardiovascular disorders in the literature. This variant has not been identified in the general population by the Genome Aggregation Database (gnomAD). The available evidence is insufficient to determine the role of this variant in disease conclusively. Therefore, this variant is classified as a Variant of Uncertain Significance.

All of Us Research Program, National Institutes of Health
Classification: Uncertain significance for Arrhythmogenic cardiomyopathy with wooly hair and keratoderma. Last evaluated: 2023-12-18. Review status: criteria provided, single submitter. Criteria: ACMG Guidelines, 2015. Collection method: clinical testing. Allele origin: germline. Inheritance: Autosomal dominant inheritance. Observed: 3 variant alleles, 3 heterozygotes.
Comment: This missense variant replaces leucine with tryptophan at codon 1750 of the DSP protein. Computational prediction suggests that this variant may not impact protein structure and function (internally defined REVEL score threshold <= 0.5, PMID: 27666373). To our knowledge, functional studies have not been reported for this variant. This variant has not been reported in individuals affected with cardiovascular disorders in the literature. This variant has not been identified in the general population by the Genome Aggregation Database (gnomAD). The available evidence is insufficient to determine the role of this variant in disease conclusively. Therefore, this variant is classified as a Variant of Uncertain Significance.

This study involves interpretation of variants in research participants for the purpose of population health screening. Participant phenotype was not available at the time of variant classification. Additional details can be found in publication PMID: 35346344, PMCID: PMC8962531

NM_004415.4(DSP):c.5249T>G (p.Leu1750Trp)

Gene: DSP (desmoplakin; plus strand). Cytogenetic location: 6p24.3.
Variant type: single nucleotide variant.
Coding change: c.5249T>G on transcript NM_004415.4 (MANE Select); coding-DNA position 5249, T replaced by G.
Protein change: p.Leu1750Trp; replaces leucine 1750 with tryptophan.
Molecular consequence: missense variant. On other transcripts: intron variant (2).
Genome position (GRCh38, 1-based): chr6:7,581,439, T>G. VCF-style: chr6-7581439-T-G. GRCh37 (hg19) VCF-style: chr6-7581672-T-G.
Other names: p.Leu1750Trp; c.4050+1199T>G (NM_001319034.2); c.3583-1203T>G (NM_001008844.3); short protein forms L1750W.
Identifiers: ClinVar variation 925186 (VCV000925186.15), dbSNP rs1759438511, ClinGen allele CA362688180.
Genomic context (GRCh38, chr6:7,581,439, plus strand): 5'-AGTACGATGACCTGAGGAGAGGACGAAGCGAAGCGGACAGTGATAAAAATGCAACCATCT[T>G]GGAACTAAGGAGCCAGCTGCAGATCAGCAACAACCGGACCCTGGAACTGCAGGGGCTGAT-3'
Protein context (NP_004406.2, residues 1740-1760): EADSDKNATI[Leu1750Trp]ELRSQLQISN